The following is an entry in ClinVar:

ClinVar aggregate classification (germline): Benign (1 of 4 stars; one submission).

Submission:

GeneDx
Classification: Benign. Last evaluated: 2018-06-18. Review status: criteria provided, single submitter. Criteria: GeneDx Variant Classification (06012015). Collection method: clinical testing. Allele origin: germline. Affected: yes.
Comment: This variant is considered likely benign or benign based on one or more of the following criteria: it is a conservative change, it occurs at a poorly conserved position in the protein, it is predicted to be benign by multiple in silico algorithms, and/or has population frequency not consistent with disease.

NM_130839.5(UBE3A):c.1609-303_1609-302insCTAA

Genes: SNHG14 (small nucleolar RNA host gene 14; plus strand), UBE3A (ubiquitin protein ligase E3A; minus strand). Cytogenetic location: 15q11.2.
Variant type: Insertion.
Coding change: c.1609-303_1609-302insCTAA on transcript NM_130839.5 (MANE Select); 303 bases into the intron before coding-DNA position 1609 through 302 bases into the intron before coding-DNA position 1609, CTAA inserted.
Molecular consequence: intron variant.
Genome position: GRCh38 VCF-style: chr15-25360829-C-CAGTT. GRCh37 (hg19) VCF-style: chr15-25605976-C-CAGTT.
Other names: c.1432-303_1432-302insCTAA (NM_001354546.2); c.302-307_302-306insCTAA (NM_001354551.2); c.1549-303_1549-302insCTAA (NM_001354549.2, NM_001354548.2, NM_130838.4 and 17 more transcripts); c.362-307_362-306insCTAA (NM_001354550.2); c.1609-303_1609-302insCTAA (NM_001354545.2, NM_001354538.2, NM_001354505.1); c.1618-303_1618-302insCTAA (NM_000462.5).
Identifiers: ClinVar variation 668840 (VCV000668840.1), dbSNP rs3043907, ClinGen allele CA267775070.
Genomic context (GRCh38, chr15:25,360,829, plus strand): 5'-TATGAAATTAACATACAATTAATTAAGATTTTATTACTTGTGTGTTAAGTCTGGACTACA[C>CAGTT]AGGACATGGAAAAGCAGCTAAATCATTTCAGCAAAAACAATGGAGTAGAGGTCTAACCTC-3'